The following is an entry in ClinVar:

ClinVar aggregate classification (germline): Uncertain significance (1 of 4 stars; one submission).

Conditions:
Familial cold autoinflammatory syndrome 2 (FCAS2). Identifiers: Orphanet 247868, MedGen C2673198, MONDO:0012724, OMIM 611762.

Submission:

Labcorp Genetics (formerly Invitae), Labcorp
Classification: Uncertain significance for Familial cold autoinflammatory syndrome 2. Last evaluated: 2020-10-21. Review status: criteria provided, single submitter. Criteria: Invitae Variant Classification Sherloc (09022015). Collection method: clinical testing. Allele origin: germline.
Comment: A gross duplication of the genomic region encompassing the full coding sequence of the NLRP12 gene has been identified. The boundaries of this event are unknown as the duplication extends beyond the assayed region for this gene and therefore may encompass additional genes. As the precise location of this duplication is unknown, it may be in tandem or it may be located elsewhere in the genome. This variant has not been reported in the literature in individuals with NLRP12-related disease. In summary, the available evidence is currently insufficient to determine the role of this variant in disease. Therefore, it has been classified as a Variant of Uncertain Significance.

NC_000019.9:g.(?_54297303)_(54410149_?)dup

Genes: NLRP12 (NLR family pyrin domain containing 12; minus strand), MYADM (myeloid associated differentiation marker; plus strand), PRKCG (protein kinase C gamma; plus strand). Cytogenetic location: 19q13.42.
Variant type: Duplication.
Identifiers: ClinVar variation 1000671 (VCV001000671.1).